The following is an entry in ClinVar:

NM_000260.4(MYO7A):c.3850T>C (p.Cys1284Arg)

Gene: MYO7A (myosin VIIA; plus strand). Cytogenetic location: 11q13.5.
Variant type: single nucleotide variant.
Coding change: c.3850T>C on transcript NM_000260.4 (MANE Select); coding-DNA position 3850, T replaced by C.
Protein change: p.Cys1284Arg; replaces cysteine 1284 with arginine.
Molecular consequence: missense variant.
Genome position (GRCh38, 1-based): chr11:77,190,796, T>C. VCF-style: chr11-77190796-T-C. GRCh37 (hg19) VCF-style: chr11-76901841-T-C.
Other names: c.3850T>C, p.Cys1284Arg (NM_001127180.2); c.3817T>C, p.Cys1273Arg (NM_001369365.1); short protein forms C1273R, C1284R.
Identifiers: ClinVar variation 1044655 (VCV001044655.7), dbSNP rs781710192, ClinGen allele CA6198218.

ClinVar aggregate classification (germline): Uncertain significance. Review status: criteria provided, multiple submitters, no conflicts (2 of 4 stars). 2 submissions from 2 submitters: Uncertain significance (2). Last evaluated 2021-08-27.

Allele frequency attached by ClinVar (database versions not stated): gnomAD 0.00001; gnomAD exomes 0.00001; TOPMed 0.00001; ExAC 0.00002.
gnomAD v4.1: 21 of 1,592,246 alleles (0.0013%); highest among the groups gnomAD compares: Non-Finnish European, 0.0018%; no homozygotes.

Submissions (2):

Labcorp Genetics (formerly Invitae), Labcorp
Classification: Uncertain significance. Last evaluated: 2021-08-27. Review status: criteria provided, single submitter. Criteria: Invitae Variant Classification Sherloc (09022015). Collection method: clinical testing. Allele origin: germline.
Comment: This sequence change replaces cysteine with arginine at codon 1284 of the MYO7A protein (p.Cys1284Arg). The cysteine residue is highly conserved and there is a large physicochemical difference between cysteine and arginine. The frequency data for this variant in the population databases is considered unreliable, as metrics indicate poor data quality at this position in the ExAC database. This variant has not been reported in the literature in individuals affected with MYO7A-related conditions. Algorithms developed to predict the effect of missense changes on protein structure and function are either unavailable or do not agree on the potential impact of this missense change (SIFT: "Deleterious"; PolyPhen-2: "Probably Damaging"; Align-GVGD: "Class C0"). In summary, the available evidence is currently insufficient to determine the role of this variant in disease. Therefore, it has been classified as a Variant of Uncertain Significance.

Blueprint Genetics
Classification: Uncertain significance. Last evaluated: 2020-08-07. Review status: criteria provided, single submitter. Criteria: ACMG Guidelines, 2015. Collection method: clinical testing. Allele origin: germline.